The following is an entry in ClinVar:

ClinVar aggregate classification (germline): Uncertain significance (1 of 4 stars; one submission).

Submission:

Labcorp Genetics (formerly Invitae), Labcorp
Classification: Uncertain significance. Last evaluated: 2025-05-20. Review status: criteria provided, single submitter. Criteria: Invitae Variant Classification Sherloc (09022015). Collection method: clinical testing. Allele origin: germline.
Comment: This sequence change creates a premature translational stop signal (p.Leu306Serfs*21) in the ZCCHC8 gene. It is expected to result in an absent or disrupted protein product. However, the current clinical and genetic evidence is not sufficient to establish whether loss-of-function variants in ZCCHC8 cause disease. This variant is not present in population databases (gnomAD no frequency). This variant has not been reported in the literature in individuals affected with ZCCHC8-related conditions. In summary, the available evidence is currently insufficient to determine the role of this variant in disease. Therefore, it has been classified as a Variant of Uncertain Significance.

NM_017612.5(ZCCHC8):c.913_914del (p.Leu306fs)

Gene: ZCCHC8 (zinc finger CCHC-type containing 8; minus strand). Cytogenetic location: 12q24.31.
Variant type: Microsatellite.
Coding change: c.913_914del on transcript NM_017612.5 (MANE Select); coding-DNA positions 913 to 914, 2 bases deleted (AG; older notation c.913_914delAG).
Protein change: p.Leu306fs; shifts the reading frame from leucine 306.
Molecular consequence: frameshift variant.
Genome position (GRCh38, 1-based): chr12:122,481,626-122,481,627, CT deleted on the plus strand (AG on the coding strand, the reverse complement: ZCCHC8 is on the minus strand); deleting any 2 consecutive bases within chr12:122,481,626-122,481,629 gives the same sequence; the c. name uses the placement nearest the transcript's 3' end. VCF-style (leftmost placement, unchanged base first): chr12-122481625-ACT-A. GRCh37 (hg19) VCF-style: chr12-122966172-ACT-A.
Other names: c.682_683del, p.Leu229fs (NM_001350935.2); c.616_617del, p.Leu207fs (NM_001350936.2); c.199_200del, p.Leu68fs (NM_001350937.2, NM_001350938.2); short protein forms L207fs, L229fs, L306fs, L68fs.
Identifiers: ClinVar variation 4709417 (VCV004709417.1).